The following is an entry in ClinVar:

ClinVar aggregate classification (germline): Uncertain significance (1 of 4 stars; one submission).

Conditions:
Hereditary spastic paraplegia 11. Also called: Spastic paraplegia, mental retardation and thin corpus callosum; SPASTIC PARAPLEGIA, AUTOSOMAL RECESSIVE, COMPLICATED, WITH THIN CORPUS CALLOSUM; SPASTIC PARAPLEGIA, AUTOSOMAL RECESSIVE, WITH MENTAL IMPAIRMENT AND THIN CORPUS CALLOSUM; Spastic Paraplegia 11; Nakamura Osame syndrome; Autosomal recessive hereditary spastic paraplegia, mental impairment, and thin corpus callosum. Identifiers: Orphanet 2822, MedGen C1858479, MONDO:0011445, OMIM 604360.

Allele frequency attached by ClinVar (database versions not stated): ExAC 0.00001; gnomAD exomes 0.00001.
gnomAD v4.1: 7 of 1,613,576 alleles (0.00043%); highest among the groups gnomAD compares: Non-Finnish European, 0.00059%; no homozygotes.

Submission:

Labcorp Genetics (formerly Invitae), Labcorp
Classification: Uncertain significance for Hereditary spastic paraplegia 11. Last evaluated: 2022-05-05. Review status: criteria provided, single submitter. Criteria: Invitae Variant Classification Sherloc (09022015). Collection method: clinical testing. Allele origin: germline.
Comment: In summary, the available evidence is currently insufficient to determine the role of this variant in disease. Therefore, it has been classified as a Variant of Uncertain Significance. Algorithms developed to predict the effect of missense changes on protein structure and function are either unavailable or do not agree on the potential impact of this missense change (SIFT: "Tolerated"; PolyPhen-2: "Possibly Damaging"; Align-GVGD: "Class C0"). This sequence change replaces isoleucine, which is neutral and non-polar, with methionine, which is neutral and non-polar, at codon 1172 of the SPG11 protein (p.Ile1172Met). This variant has not been reported in the literature in individuals affected with SPG11-related conditions. This variant is present in population databases (rs773332316, gnomAD 0.002%).

NM_025137.4(SPG11):c.3516A>G (p.Ile1172Met)

Gene: SPG11 (SPG11 vesicle trafficking associated, spatacsin; minus strand). Cytogenetic location: 15q21.1.
Variant type: single nucleotide variant.
Coding change: c.3516A>G on transcript NM_025137.4 (MANE Select); coding-DNA position 3516, A replaced by G.
Protein change: p.Ile1172Met; replaces isoleucine 1172 with methionine.
Molecular consequence: missense variant.
Genome position (GRCh38, 1-based): chr15:44,606,029, T>C on the plus strand (A>G on the coding strand, the complement: SPG11 is on the minus strand). VCF-style: chr15-44606029-T-C. GRCh37 (hg19) VCF-style: chr15-44898227-T-C.
Other names: c.3516A>G, p.Ile1172Met (NM_001160227.2, NM_001411132.1); short protein forms I1172M.
Identifiers: ClinVar variation 2418516 (VCV002418516.6), dbSNP rs773332316, ClinGen allele CA7534947.
Genomic context (GRCh38, chr15:44,606,029, plus strand): 5'-ACTTCTGTAGTTAACACTGCTAAAACATGTCTCAAGAAGTACCCATGATGACTTACCTCC[T>C]ATAGCTAGTGTGTTAGCAGACTGCCAGCCAAACAATCTGCTAGGATCAAAGGGTGATAAT-3'
Protein context (NP_079413.3, residues 1162-1182): FGWQSANTLA[Ile1172Met]GDAWSHLPHF